The following is an entry in ClinVar:

ClinVar aggregate classification (germline): Uncertain significance. Review status: criteria provided, multiple submitters, no conflicts (2 of 4 stars). 2 submissions from 2 submitters: Uncertain significance (2). Last evaluated 2025-12-11.

Conditions:
Inborn genetic diseases. Identifiers: MedGen C0950123, MeSH D030342.

Submissions (2):

Ambry Genetics
Classification: Uncertain significance for Inborn genetic diseases. Last evaluated: 2025-12-11. Review status: criteria provided, single submitter. Criteria: Ambry Variant Classification Scheme 2023. Collection method: clinical testing. Allele origin: germline.

Labcorp Genetics (formerly Invitae), Labcorp
Classification: Uncertain significance. Last evaluated: 2023-11-19. Review status: criteria provided, single submitter. Criteria: Invitae Variant Classification Sherloc (09022015). Collection method: clinical testing. Allele origin: germline.
Comment: This sequence change replaces leucine, which is neutral and non-polar, with tryptophan, which is neutral and slightly polar, at codon 313 of the TTLL5 protein (p.Leu313Trp). This variant is not present in population databases (gnomAD no frequency). This missense change has been observed in individual(s) with retinitis pigmentosa (Invitae). Advanced modeling of protein sequence and biophysical properties (such as structural, functional, and spatial information, amino acid conservation, physicochemical variation, residue mobility, and thermodynamic stability) performed at Invitae indicates that this missense variant is expected to disrupt TTLL5 protein function with a positive predictive value of 80%. In summary, the available evidence is currently insufficient to determine the role of this variant in disease. Therefore, it has been classified as a Variant of Uncertain Significance.

NM_015072.5(TTLL5):c.938T>G (p.Leu313Trp)

Gene: TTLL5 (tubulin tyrosine ligase like 5; plus strand). Cytogenetic location: 14q24.3.
Variant type: single nucleotide variant.
Coding change: c.938T>G on transcript NM_015072.5 (MANE Select); coding-DNA position 938, T replaced by G.
Protein change: p.Leu313Trp; replaces leucine 313 with tryptophan.
Molecular consequence: missense variant.
Genome position (GRCh38, 1-based): chr14:75,720,599, T>G. VCF-style: chr14-75720599-T-G. GRCh37 (hg19) VCF-style: chr14-76186942-T-G.
Other names: c.938T>G (NM_015072.4); short protein forms L313W.
Identifiers: ClinVar variation 2697448 (VCV002697448.4), dbSNP rs2503083367, ClinGen allele CA390458624.